The following is an entry in ClinVar:

ClinVar aggregate classification (germline): Uncertain significance (1 of 4 stars; one submission).

gnomAD v4.1: 1 of 1,571,722 alleles (0.000064%); highest among the groups gnomAD compares: Non-Finnish European, 0.000086%; no homozygotes.

Submission:

Ambry Genetics
Classification: Uncertain significance. Last evaluated: 2026-04-28. Review status: criteria provided, single submitter. Criteria: Ambry Variant Classification Scheme 2023. Collection method: clinical testing. Allele origin: germline.
Comment: The p.P229A variant (also known as c.685C>G), located in coding exon 5 of the ATRIP gene, results from a C to G substitution at nucleotide position 685. The proline at codon 229 is replaced by alanine, an amino acid with highly similar properties. This amino acid position is conserved. In addition, this alteration is predicted to be tolerated by in silico analysis. Based on the available evidence, the clinical significance of this variant remains unclear.

NM_130384.3(ATRIP):c.685C>G (p.Pro229Ala)

Genes: ATRIP (ATR interacting protein; plus strand), ATRIP-TREX1 (ATRIP-TREX1 readthrough; plus strand). Cytogenetic location: 3p21.31.
Variant type: single nucleotide variant.
Coding change: c.685C>G on transcript NM_130384.3 (MANE Select); coding-DNA position 685, C replaced by G.
Protein change: p.Pro229Ala; replaces proline 229 with alanine.
Molecular consequence: missense variant. On other transcripts: non-coding transcript variant (1).
Genome position (GRCh38, 1-based): chr3:48,457,272, C>G. VCF-style: chr3-48457272-C-G. GRCh37 (hg19) VCF-style: chr3-48498672-C-G.
Other names: c.304C>G, p.Pro102Ala (NM_001271022.2); c.406C>G, p.Pro136Ala (NM_001271023.2); c.685C>G, p.Pro229Ala (NM_032166.4); short protein forms P102A, P136A, P229A.
Identifiers: ClinVar variation 4867226 (VCV004867226.1).